The following is an entry in ClinVar:

NM_000079.4(CHRNA1):c.376A>G (p.Thr126Ala)

Gene: CHRNA1 (cholinergic receptor nicotinic alpha 1 subunit; minus strand). Cytogenetic location: 2q31.1.
Variant type: single nucleotide variant.
Coding change: c.376A>G on transcript NM_000079.4 (MANE Select); coding-DNA position 376, A replaced by G.
Protein change: p.Thr126Ala; replaces threonine 126 with alanine.
Molecular consequence: missense variant.
Genome position (GRCh38, 1-based): chr2:174,754,383, T>C on the plus strand (A>G on the coding strand, the complement: CHRNA1 is on the minus strand). VCF-style: chr2-174754383-T-C. GRCh37 (hg19) VCF-style: chr2-175619111-T-C.
Other names: c.451A>G, p.Thr151Ala (NM_001039523.3); short protein forms T126A, T151A.
Identifiers: ClinVar variation 2165223 (VCV002165223.5), dbSNP rs781376926, ClinGen allele CA1974557.

ClinVar aggregate classification (germline): Uncertain significance. Review status: criteria provided, multiple submitters, no conflicts (2 of 4 stars). 2 submissions from 2 submitters: Uncertain significance (2). Last evaluated 2024-10-14.

Conditions:
Myasthenic syndrome, congenital, 1B, fast-channel. Also called: Fast-Channel Congenital Myasthenia Syndrome. Identifiers: Orphanet 590, MedGen C4225405, MONDO:0012156, OMIM 608930.
Lethal multiple pterygium syndrome (LMPS). Identifiers: Orphanet 33108, MedGen C1854678, MONDO:0009668, OMIM 253290.

Allele frequency attached by ClinVar (database versions not stated): gnomAD 0.00001; TOPMed 0.00001; ExAC 0.00002.
gnomAD v4.1: 22 of 1,614,008 alleles (0.0014%); highest among the groups gnomAD compares: South Asian, 0.023%; 1 homozygote.

Submissions (2):

Labcorp Genetics (formerly Invitae), Labcorp
Classification: Uncertain significance for Lethal multiple pterygium syndrome. Last evaluated: 2024-10-14. Review status: criteria provided, single submitter. Criteria: Invitae Variant Classification Sherloc (09022015). Collection method: clinical testing. Allele origin: germline.
Comment: This sequence change replaces threonine, which is neutral and polar, with alanine, which is neutral and non-polar, at codon 126 of the CHRNA1 protein (p.Thr126Ala). This variant is present in population databases (rs781376926, gnomAD 0.01%). This missense change has been observed in individual(s) with congenital myasthenic syndrome (internal data). ClinVar contains an entry for this variant (Variation ID: 2165223). Invitae Evidence Modeling of protein sequence and biophysical properties (such as structural, functional, and spatial information, amino acid conservation, physicochemical variation, residue mobility, and thermodynamic stability) indicates that this missense variant is not expected to disrupt CHRNA1 protein function with a negative predictive value of 80%. In summary, the available evidence is currently insufficient to determine the role of this variant in disease. Therefore, it has been classified as a Variant of Uncertain Significance.

Neuberg Centre For Genomic Medicine, NCGM
Classification: Uncertain significance for Myasthenic syndrome, congenital, 1B, fast-channel. Review status: criteria provided, single submitter. Criteria: ACMG Guidelines, 2015. Collection method: clinical testing. Allele origin: germline. Inheritance: Autosomal dominant inheritance. Affected: yes.
Comment: The missense variant c.376A>G p.Thr126Ala in the CHRNA1 gene has not been reported previously as a pathogenic variant nor as a benign variant, to our knowledge. This variant is reported with the allele frequency 0.001% in the gnomAD Exomes and novel not in any individuals in 1000 Genomes. This variant has been reported to the ClinVar database as Uncertain Significance. However, no details are available for independent assessment. The amino acid Threonine at position 126 is changed to a Alanine changing protein sequence and it might alter its composition and physico-chemical properties. The variant is predicted as damaging by SIFT. The amino acid change p.Thr126Ala in CHRNA1 is predicted as conserved by GERP++ and PhyloP across 100 vertebrates. For these reasons, this variant has been classified as Uncertain Significance.